The following is an entry in ClinVar:

ClinVar aggregate classification (germline): Uncertain significance. Review status: criteria provided, multiple submitters, no conflicts (2 of 4 stars). 4 submissions from 4 submitters: Uncertain significance (4). Last evaluated 2024-11-26.

Conditions:
Cenani-Lenz syndactyly syndrome. Also called: CENANI SYNDACTYLISM; SYNDACTYLY, TYPE VII. Identifiers: Orphanet 3258, MedGen C1859309, MONDO:0008931, OMIM 212780.

Allele frequency attached by ClinVar (database versions not stated): ExAC 0.00001; gnomAD exomes 0.00001.
gnomAD v4.1: 8 of 1,614,170 alleles (0.0005%); highest among the groups gnomAD compares: Non-Finnish European, 0.00068%; no homozygotes.

Submissions (4):

Blueprint Genetics
Classification: Uncertain significance. Last evaluated: 2024-11-26. Review status: criteria provided, single submitter. Criteria: ACMG Guidelines, 2015. Collection method: clinical testing. Allele origin: germline.

Women's Health and Genetics/Laboratory Corporation of America, LabCorp
Classification: Uncertain significance. Last evaluated: 2024-07-26. Review status: criteria provided, single submitter. Criteria: LabCorp Variant Classification Summary - May 2015. Collection method: clinical testing. Allele origin: germline.
Comment: Variant summary: LRP4 c.956G>A (p.Cys319Tyr) results in a non-conservative amino acid change in the encoded protein sequence. Five of five in-silico tools predict a damaging effect of the variant on protein function. The variant allele was found at a frequency of 8e-06 in 251278 control chromosomes. The available data on variant occurrences in the general population are insufficient to allow any conclusion about variant significance. To our knowledge, no occurrence of c.956G>A in individuals affected with LRP4-Related Disorders and no experimental evidence demonstrating its impact on protein function have been reported. ClinVar contains an entry for this variant (Variation ID: 286739). Based on the evidence outlined above, the variant was classified as uncertain significance.

Illumina Laboratory Services, Illumina
Classification: Uncertain significance for Cenani-Lenz syndactyly syndrome. Last evaluated: 2017-04-27. Review status: criteria provided, single submitter. Criteria: ICSL Variant Classification Criteria 13 December 2019. Collection method: clinical testing. Allele origin: germline.

Eurofins Ntd Llc (ga)
Classification: Uncertain significance. Last evaluated: 2016-03-24. Review status: criteria provided, single submitter. Criteria: EGL Classification Definitions 2015. Collection method: clinical testing. Allele origin: germline. Observed: 2 variant alleles, 2 heterozygotes.

NM_002334.4(LRP4):c.956G>A (p.Cys319Tyr)

Gene: LRP4 (LDL receptor related protein 4; minus strand). Cytogenetic location: 11p11.2.
Variant type: single nucleotide variant.
Coding change: c.956G>A on transcript NM_002334.4 (MANE Select); coding-DNA position 956, G replaced by A.
Protein change: p.Cys319Tyr; replaces cysteine 319 with tyrosine.
Molecular consequence: missense variant.
Genome position (GRCh38, 1-based): chr11:46,896,302, C>T on the plus strand (G>A on the coding strand, the complement: LRP4 is on the minus strand). VCF-style: chr11-46896302-C-T. GRCh37 (hg19) VCF-style: chr11-46917853-C-T.
Other names: short protein forms C319Y.
Identifiers: ClinVar variation 286739 (VCV000286739.11), dbSNP rs769749835, ClinGen allele CA5970317.
Genomic context (GRCh38, chr11:46,896,302, plus strand): 5'-TCACCACAGTCGTTGACCCCGTTGCACAGCTTCCTCTGCCCAATGCAGCGCCCATTCCAA[C>T]ACAGGAACTGGTCCAAGGCACATTGGGGGCTTCCTAGAGAGATGGAGGGTCAGGTCATAG-3'
Protein context (NP_002325.2, residues 309-329): SPQCALDQFL[Cys319Tyr]WNGRCIGQRK